The following is an entry in ClinVar:

NM_002524.5(NRAS):c.43+20G>A

Gene: NRAS (NRAS proto-oncogene, GTPase; minus strand). Cytogenetic location: 1p13.2.
Variant type: single nucleotide variant.
Coding change: c.43+20G>A on transcript NM_002524.5 (MANE Select); 20 bases into the intron after coding-DNA position 43, G replaced by A.
Molecular consequence: intron variant.
Genome position (GRCh38, 1-based): chr1:114,708,134, C>T on the plus strand (G>A on the coding strand, the complement: NRAS is on the minus strand). VCF-style: chr1-114708134-C-T. GRCh37 (hg19) VCF-style: chr1-115250755-C-T.
Other names: c.613+20G>A (LRG_92t1).
Identifiers: ClinVar variation 381903 (VCV000381903.1), dbSNP rs180892917, ClinGen allele CA16603390.
Genomic context (GRCh38, chr1:114,708,134, plus strand): 5'-TAAGTGACACATTCAGAGTATAAGAAAAACAAATATACAAAATTAACAGGAATGAGAATA[C>T]ATTTCCAAACTTGTCCTACCTTGAAAGTGGCTCTTTTCTGACAAAACTTTAAAAGTATCT-3'

ClinVar aggregate classification (germline): Likely benign (1 of 4 stars; one submission).

Allele frequency attached by ClinVar (database versions not stated): TOPMed 0.00018; 1000 Genomes Project 30x 0.00062; 1000 Genomes Project 0.00080; gnomAD exomes 0.00091; gnomAD 0.00158.
gnomAD v4.1: 278 of 205,588 alleles (0.14%); highest among the groups gnomAD compares: Non-Finnish European, 0.066%; 1 homozygote.

Submission:

GeneDx
Classification: Likely benign. Last evaluated: 2016-12-29. Review status: criteria provided, single submitter. Criteria: GeneDx Variant Classification (06012015). Collection method: clinical testing. Allele origin: germline. Affected: yes.
Comment: This variant is considered likely benign or benign based on one or more of the following criteria: it is a conservative change, it occurs at a poorly conserved position in the protein, it is predicted to be benign by multiple in silico algorithms, and/or has population frequency not consistent with disease.